The following is an entry in ClinVar:

ClinVar aggregate classification (germline): Uncertain significance (1 of 4 stars; one submission).

gnomAD v4.1: 6 of 1,613,980 alleles (0.00037%); highest among the groups gnomAD compares: Middle Eastern, 0.016%; no homozygotes.

Submission:

GeneDx
Classification: Uncertain significance. Last evaluated: 2023-08-24. Review status: criteria provided, single submitter. Criteria: GeneDx Variant Classification Process June 2021. Collection method: clinical testing. Allele origin: germline. Affected: yes.
Comment: Has not been previously published as pathogenic or benign to our knowledge; Not observed at significant frequency in large population cohorts (gnomAD); Although located in a calcium-binding EGF-like domain of the FBN2 gene, it does not substitute or introduce a cysteine residue (Callewaert et al., 2009; Frederic et al., 2009); In silico analysis supports that this missense variant has a deleterious effect on protein structure/function; This variant is associated with the following publications: (PMID: 19006240, 18767143)

NM_001999.4(FBN2):c.2479C>G (p.Arg827Gly)

Gene: FBN2 (fibrillin 2; minus strand). Cytogenetic location: 5q23.3.
Variant type: single nucleotide variant.
Coding change: c.2479C>G on transcript NM_001999.4 (MANE Select); coding-DNA position 2479, C replaced by G.
Protein change: p.Arg827Gly; replaces arginine 827 with glycine.
Molecular consequence: missense variant.
Genome position (GRCh38, 1-based): chr5:128,361,798, G>C on the plus strand (C>G on the coding strand, the complement: FBN2 is on the minus strand). VCF-style: chr5-128361798-G-C. GRCh37 (hg19) VCF-style: chr5-127697491-G-C.
Other names: short protein forms R827G.
Identifiers: ClinVar variation 1194236 (VCV001194236.4), dbSNP rs574985859, ClinGen allele CA360768067.
Genomic context (GRCh38, chr5:128,361,798, plus strand): 5'-TCTCAGTCCTGAACACATACCCTGGTGGGCACGTACAGCTGTAACTTCCTGGCGTGTTTC[G>C]GCACAATCCGTTATCACAAAGCAGTCTGTTTACTAAACATTCATCAATGTCTGAAAGCAA-3'
Protein context (NP_001990.2, residues 817-837): NRLLCDNGLC[Arg827Gly]NTPGSYSCTC